The following is an entry in ClinVar:

ClinVar aggregate classification (germline): Conflicting classifications of pathogenicity. Review status: criteria provided, conflicting classifications (1 of 4 stars). 4 submissions from 4 submitters: Pathogenic (1); Uncertain significance (1). 2 of the submissions do not count toward it. Last evaluated 2023-10-18.

Conditions:
Neurodevelopmental disorder. Identifiers: MedGen C1535926, MeSH D065886, MONDO:0700092.
Intellectual developmental disorder, autosomal dominant 64. Also called: MENTAL RETARDATION, AUTOSOMAL DOMINANT 64. Identifiers: MedGen C5543067, MONDO:0030934, OMIM 619188.

Allele frequency attached by ClinVar (database versions not stated): gnomAD exomes below 0.00001.
gnomAD v4.1: 1 of 1,613,780 alleles (0.000062%); no homozygotes.

Submissions (4):

Institute of Human Genetics, Clinical Exome/Genome Diagnostics Group, University Hospital Bonn
Classification: Uncertain significance for Intellectual developmental disorder, autosomal dominant 64. Last evaluated: 2023-10-18. Review status: criteria provided, single submitter. Criteria: ACMG Guidelines, 2015. Collection method: clinical testing. Allele origin: maternal.

Centre for Human Genetics, University of Kinshasa
Classification: Pathogenic for Intellectual developmental disorder, autosomal dominant 64. Last evaluated: 2021-03-19. Review status: criteria provided, single submitter. Criteria: ACMG Guidelines, 2015. Collection method: clinical testing. Allele origin: germline. Inheritance: Autosomal dominant inheritance. Affected: yes. Observed: 1 variant allele, 1 heterozygote.
Comment: This variant was classified as Pathogenic following the ACMG guidelines considering that the following criteria were met : PVS1 (Null variant (nonsense in ZNF292, for which loss-of-function is a known mechanism of disease); PS1 (Same amino acid change as a previously established pathogenic variant regardless of nucleotide change. See PMID: 31723249); PM2 (GnomAD and exomes allele count = 1 is less than 5); PP5 (previous submission in ClinVar classifies this variant as Likely Pathogenic).

OMIM
Classification: Pathogenic for INTELLECTUAL DEVELOPMENTAL DISORDER, AUTOSOMAL DOMINANT 64. Last evaluated: 2021-02-18. Review status: no assertion criteria provided. Collection method: literature only. Allele origin: germline. Not counted in ClinVar's aggregate classification.

University of Washington Center for Mendelian Genomics, University of Washington
Classification: Likely pathogenic for Neurodevelopmental disorder. Review status: no assertion criteria provided. Collection method: research. Allele origin: de novo. Affected: yes. Not counted in ClinVar's aggregate classification.

Literature cited by the submitters: PubMed 31723249 (cited by 3 submitters).

NM_015021.3(ZNF292):c.1360C>T (p.Arg454Ter)

Gene: ZNF292 (zinc finger protein 292; plus strand). Cytogenetic location: 6q14.3.
Variant type: single nucleotide variant.
Coding change: c.1360C>T on transcript NM_015021.3 (MANE Select); coding-DNA position 1360, C replaced by T.
Protein change: p.Arg454Ter; replaces arginine 454 with a stop codon.
Molecular consequence: nonsense.
Genome position (GRCh38, 1-based): chr6:87,254,989, C>T. VCF-style: chr6-87254989-C-T. GRCh37 (hg19) VCF-style: chr6-87964707-C-T.
Other names: c.940C>T, p.Arg314Ter (NM_001351444.2); short protein forms R314*, R454*.
Identifiers: ClinVar variation 982155 (VCV000982155.5), dbSNP rs1215967523, ClinGen allele CA364908883.